The following is an entry in ClinVar:

NM_000078.3(CETP):c.751-51T>C

Gene: CETP (cholesteryl ester transfer protein; plus strand). Cytogenetic location: 16q13.
Variant type: single nucleotide variant.
Coding change: c.751-51T>C on transcript NM_000078.3 (MANE Select); 51 bases into the intron before coding-DNA position 751, T replaced by C.
Molecular consequence: intron variant.
Genome position (GRCh38, 1-based): chr16:56,973,280, T>C. VCF-style: chr16-56973280-T-C. GRCh37 (hg19) VCF-style: chr16-57007192-T-C.
Other names: c.750+1197T>C (NM_001286085.2).
Identifiers: ClinVar variation 1297243 (VCV001297243.3), dbSNP rs9930761, ClinGen allele CA8071078.

ClinVar aggregate classification (germline): Benign. Review status: criteria provided, multiple submitters, no conflicts (2 of 4 stars). 2 submissions from 2 submitters: Benign (2). Last evaluated 2018-08-30.

Allele frequency attached by ClinVar (database versions not stated): gnomAD exomes 0.05939 and 0.06273; ExAC 0.06222; 1000 Genomes Project 0.06530; 1000 Genomes Project 30x 0.06793; gnomAD 0.07145 and 0.07323; TOPMed 0.07430; ESP Exome Variant Server 0.08318.
gnomAD v4.1: 101,456 of 1,595,658 alleles (6.4%); highest among the groups gnomAD compares: African/African-American, 11%; 3,587 homozygotes.

Submissions (2):

GeneDx
Classification: Benign. Last evaluated: 2018-08-30. Review status: criteria provided, single submitter. Criteria: GeneDx Variant Classification Process June 2021. Collection method: clinical testing. Allele origin: germline. Affected: yes.
Comment: This variant is associated with the following publications: (PMID: 24393849, 22403620)

Breakthrough Genomics
Classification: Benign. Review status: criteria provided, single submitter. Criteria: ACMG Guidelines, 2015. Collection method: not provided. Allele origin: germline. Inheritance: Autosomal dominant inheritance. Affected: yes.